The following is an entry in ClinVar:

ClinVar aggregate classification (germline): Pathogenic/Likely pathogenic. Review status: criteria provided, multiple submitters, no conflicts (2 of 4 stars). 3 submissions from 3 submitters: Pathogenic (2); Likely pathogenic (1). Last evaluated 2025-07-15.

Conditions:
Deficiency of alpha-mannosidase (MANSA). Also called: LYSOSOMAL ALPHA-D-MANNOSIDASE DEFICIENCY; Mannosidosis, alpha-, types I and II; Alpha-Mannosidosis. Identifiers: Orphanet 61, MedGen C0024748, MONDO:0009561, OMIM 248500.

Submissions (3):

Natera, Inc.
Classification: Likely pathogenic for Alpha-mannosidosis. Last evaluated: 2025-07-15. Review status: criteria provided, single submitter. Criteria: Natera Variant Classification Schema (03/2026). Collection method: clinical testing. Allele origin: germline.
Comment: The c.1197dupA variant in MAN2B1 is a frameshift variant predicted to shift the reading frame beginning at codon 400 and leads to a stop codon 39 codons downstream. This variant is expected to result in nonsense mediated decay, truncation, or a dysfunctional protein product. This variant is rare in the general population with a frequency below the threshold expected for the associated phenotype(s). Given the available evidence, this variant is classified as Likely Pathogenic.

Labcorp Genetics (formerly Invitae), Labcorp
Classification: Pathogenic for Deficiency of alpha-mannosidase. Last evaluated: 2024-03-13. Review status: criteria provided, single submitter. Criteria: Invitae Variant Classification Sherloc (09022015). Collection method: clinical testing. Allele origin: germline.
Comment: This sequence change creates a premature translational stop signal (p.Arg400Thrfs*39) in the MAN2B1 gene. It is expected to result in an absent or disrupted protein product. Loss-of-function variants in MAN2B1 are known to be pathogenic (PMID: 9915946, 22161967). This variant is present in population databases (rs753695099, gnomAD 0.007%). This premature translational stop signal has been observed in individual(s) with alpha-mannosidosis (PMID: 10071201). This variant is also known as 1197-1198insA. ClinVar contains an entry for this variant (Variation ID: 1457518). For these reasons, this variant has been classified as Pathogenic.

Baylor Genetics
Classification: Pathogenic for Deficiency of alpha-mannosidase. Last evaluated: 2023-09-18. Review status: criteria provided, single submitter. Criteria: ACMG Guidelines, 2015. Collection method: clinical testing. Allele origin: unknown.

Literature cited by the submitters: PubMed 9915946 (cited by Labcorp Genetics (formerly Invitae), Labcorp); PubMed 22161967 (cited by Labcorp Genetics (formerly Invitae), Labcorp); PubMed 10071201 (cited by Labcorp Genetics (formerly Invitae), Labcorp).

NM_000528.4(MAN2B1):c.1197dup (p.Arg400fs)

Gene: MAN2B1 (mannosidase alpha class 2B member 1; minus strand). Cytogenetic location: 19p13.13.
Variant type: Duplication.
Coding change: c.1197dup on transcript NM_000528.4 (MANE Select); coding-DNA position 1197, one base duplicated (A; older notation c.1197dupA).
Protein change: p.Arg400fs; shifts the reading frame from arginine 400.
Molecular consequence: frameshift variant.
Genome position (GRCh38, 1-based): chr19:12,658,257, T duplicated on the plus strand (A on the coding strand, the reverse complement: MAN2B1 is on the minus strand); the first of 3 consecutive T bases (chr19:12,658,257-12,658,259); duplicating any one gives the same sequence. VCF-style (leftmost placement, unchanged base first): chr19-12658256-G-GT. GRCh37 (hg19) VCF-style: chr19-12769070-G-GT.
Other names: c.1197dupA (NM_000528.3); c.1194dup, p.Arg399fs (NM_001173498.2); short protein forms R400fs, R399fs.
Identifiers: ClinVar variation 1457518 (VCV001457518.8), dbSNP rs753695099, ClinGen allele CA9226553.